The following is an entry in ClinVar:

NM_133497.4(KCNV2):c.844G>A (p.Val282Met)

Gene: KCNV2 (potassium voltage-gated channel modifier subfamily V member 2; plus strand). Cytogenetic location: 9p24.2.
Variant type: single nucleotide variant.
Coding change: c.844G>A on transcript NM_133497.4 (MANE Select); coding-DNA position 844, G replaced by A.
Protein change: p.Val282Met; replaces valine 282 with methionine.
Molecular consequence: missense variant.
Genome position (GRCh38, 1-based): chr9:2,718,583, G>A. VCF-style: chr9-2718583-G-A. GRCh37 (hg19) VCF-style: chr9-2718583-G-A.
Other names: short protein forms V282M.
Identifiers: ClinVar variation 1442946 (VCV001442946.6), dbSNP rs781606821, ClinGen allele CA4965644.

ClinVar aggregate classification (germline): Uncertain significance (1 of 4 stars; one submission).

Allele frequency attached by ClinVar (database versions not stated): gnomAD exomes below 0.00001; ExAC 0.00001.
gnomAD v4.1: 2 of 1,612,906 alleles (0.00012%); highest among the groups gnomAD compares: Non-Finnish European, 0.00017%; no homozygotes.

Submission:

Labcorp Genetics (formerly Invitae), Labcorp
Classification: Uncertain significance. Last evaluated: 2023-12-11. Review status: criteria provided, single submitter. Criteria: Invitae Variant Classification Sherloc (09022015). Collection method: clinical testing. Allele origin: germline.
Comment: This sequence change replaces valine, which is neutral and non-polar, with methionine, which is neutral and non-polar, at codon 282 of the KCNV2 protein (p.Val282Met). This variant is not present in population databases (gnomAD no frequency). This variant has not been reported in the literature in individuals affected with KCNV2-related conditions. ClinVar contains an entry for this variant (Variation ID: 1442946). Advanced modeling of protein sequence and biophysical properties (such as structural, functional, and spatial information, amino acid conservation, physicochemical variation, residue mobility, and thermodynamic stability) performed at Invitae indicates that this missense variant is not expected to disrupt KCNV2 protein function with a negative predictive value of 80%. In summary, the available evidence is currently insufficient to determine the role of this variant in disease. Therefore, it has been classified as a Variant of Uncertain Significance.